The following is an entry in ClinVar:

ClinVar aggregate classification (germline): Uncertain significance (1 of 4 stars; one submission).

Submission:

Labcorp Genetics (formerly Invitae), Labcorp
Classification: Uncertain significance. Last evaluated: 2022-11-08. Review status: criteria provided, single submitter. Criteria: Invitae Variant Classification Sherloc (09022015). Collection method: clinical testing. Allele origin: germline.
Comment: In summary, the available evidence is currently insufficient to determine the role of this variant in disease. Therefore, it has been classified as a Variant of Uncertain Significance. Advanced modeling of protein sequence and biophysical properties (such as structural, functional, and spatial information, amino acid conservation, physicochemical variation, residue mobility, and thermodynamic stability) performed at Invitae indicates that this missense variant is expected to disrupt PRPF6 protein function. This variant has not been reported in the literature in individuals affected with PRPF6-related conditions. This variant is not present in population databases (gnomAD no frequency). This sequence change replaces glycine, which is neutral and non-polar, with valine, which is neutral and non-polar, at codon 209 of the PRPF6 protein (p.Gly209Val).

NM_012469.4(PRPF6):c.626G>T (p.Gly209Val)

Gene: PRPF6 (pre-mRNA processing factor 6; plus strand). Cytogenetic location: 20q13.33.
Variant type: single nucleotide variant.
Coding change: c.626G>T on transcript NM_012469.4 (MANE Select); coding-DNA position 626, G replaced by T.
Protein change: p.Gly209Val; replaces glycine 209 with valine.
Molecular consequence: missense variant.
Genome position (GRCh38, 1-based): chr20:63,995,337, G>T. VCF-style: chr20-63995337-G-T. GRCh37 (hg19) VCF-style: chr20-62626690-G-T.
Other names: short protein forms G209V.
Identifiers: ClinVar variation 1935577 (VCV001935577.5), dbSNP rs766206152, ClinGen allele CA317525196.
Genomic context (GRCh38, chr20:63,995,337, plus strand): 5'-TGCAGTGCAAACCGTTGTTTTATTCTTGCCTTTCCTCTCTTCCCCTCCAGCAATTTGGAG[G>T]TCTTAACACACCCTATCCAGGTGGACTAAACACTCCATACCCAGGTGGAATGACGCCAGG-3'
Protein context (NP_036601.2, residues 199-219): SVDPRQTQFG[Gly209Val]LNTPYPGGLN